The following is an entry in ClinVar:

ClinVar aggregate classification (germline): Likely pathogenic (1 of 4 stars; one submission).

Conditions:
Intellectual developmental disorder, X-linked 1. Also called: Atkin Flaitz Patil Smith syndrome; Intellectual disability, X-linked 1; MENTAL RETARDATION, X-LINKED 18; MENTAL RETARDATION, X-LINKED 78. Identifiers: Orphanet 777, MedGen C2931498, MONDO:0010656, OMIM 309530.

Submission:

Labcorp Genetics (formerly Invitae), Labcorp
Classification: Likely pathogenic for Intellectual developmental disorder, X-linked 1. Last evaluated: 2020-09-09. Review status: criteria provided, single submitter. Criteria: Invitae Variant Classification Sherloc (09022015). Collection method: clinical testing. Allele origin: germline.
Comment: This variant results in the deletion of part of exon 1 (c.586_707+728del) of the IQSEC2 gene. It is expected to disrupt RNA splicing and likely results in an absent or disrupted protein product. The frequency data for this variant in the population databases is considered unreliable, as metrics indicate insufficient coverage at this position in the ExAC database. This variant has not been reported in the literature in individuals with IQSEC2-related conditions. Algorithms developed to predict the effect of sequence changes on RNA splicing suggest that this variant may create or strengthen a splice site, but this prediction has not been confirmed by published transcriptional studies. Loss-of-function variants in IQSEC2 are known to be pathogenic (PMID: 21686261, 26793055, 27665735). In summary, the currently available evidence indicates that the variant is pathogenic, but additional data are needed to prove that conclusively. Therefore, this variant has been classified as Likely Pathogenic.

Literature cited by the submitters: PubMed 21686261; PubMed 26793055; PubMed 27665735.

NM_001111125.3(IQSEC2):c.586_707+728del

Gene: IQSEC2 (IQ motif and Sec7 domain ArfGEF 2; minus strand). Cytogenetic location: Xp11.22.
Variant type: Deletion.
Coding change: c.586_707+728del on transcript NM_001111125.3 (MANE Select); coding-DNA position 586 through 728 bases into the intron after coding-DNA position 707, 850 bases deleted.
Molecular consequence: splice donor variant.
Genome position (GRCh38, 1-based): chrX:53,319,689-53,320,538, 850 bases deleted. GRCh37 (hg19): chrX:53,348,892-53,349,741.
Identifiers: ClinVar variation 1066047 (VCV001066047.2), dbSNP rs2146544783, ClinGen allele CA2499226783.